The following is an entry in ClinVar:

NM_017534.6(MYH2):c.5555G>A (p.Arg1852Gln)

Genes: MYH2 (myosin heavy chain 2; minus strand), MYHAS (myosin heavy chain gene cluster antisense RNA; plus strand). Cytogenetic location: 17p13.1.
Variant type: single nucleotide variant.
Coding change: c.5555G>A on transcript NM_017534.6 (MANE Select); coding-DNA position 5555, G replaced by A.
Protein change: p.Arg1852Gln; replaces arginine 1852 with glutamine.
Molecular consequence: missense variant.
Genome position (GRCh38, 1-based): chr17:10,523,330, C>T on the plus strand (G>A on the coding strand, the complement: MYH2 is on the minus strand). VCF-style: chr17-10523330-C-T. GRCh37 (hg19) VCF-style: chr17-10426647-C-T.
Other names: c.5555G>A, p.Arg1852Gln (NM_001100112.2); short protein forms R1852Q.
Identifiers: ClinVar variation 2433890 (VCV002433890.5), dbSNP rs769778269, ClinGen allele CA8390369.

ClinVar aggregate classification (germline): Uncertain significance. Review status: criteria provided, multiple submitters, no conflicts (2 of 4 stars). 2 submissions from 2 submitters: Uncertain significance (2). Last evaluated 2024-09-28.

Conditions:
Myopathy, proximal, and ophthalmoplegia (CMYO6). Also called: CONGENITAL MYOPATHY 6 WITH OPHTHALMOPLEGIA; INCLUSION BODY MYOPATHY 3, AUTOSOMAL DOMINANT; MYOPATHY WITH CONGENITAL JOINT CONTRACTURES, OPHTHALMOPLEGIA, AND RIMMED VACUOLES. Identifiers: Orphanet 363677, Orphanet 79091, MedGen C1854106, MONDO:0011577, OMIM 605637.

gnomAD v4.1: 18 of 1,614,180 alleles (0.0011%); highest among the groups gnomAD compares: East Asian, 0.0022%; no homozygotes.

Submissions (2):

Labcorp Genetics (formerly Invitae), Labcorp
Classification: Uncertain significance for Myopathy, proximal, and ophthalmoplegia. Last evaluated: 2024-09-28. Review status: criteria provided, single submitter. Criteria: Invitae Variant Classification Sherloc (09022015). Collection method: clinical testing. Allele origin: germline.
Comment: This sequence change replaces arginine, which is basic and polar, with glutamine, which is neutral and polar, at codon 1852 of the MYH2 protein (p.Arg1852Gln). This variant is present in population databases (rs769778269, gnomAD 0.003%). This variant has not been reported in the literature in individuals affected with MYH2-related conditions. ClinVar contains an entry for this variant (Variation ID: 2433890). Invitae Evidence Modeling of protein sequence and biophysical properties (such as structural, functional, and spatial information, amino acid conservation, physicochemical variation, residue mobility, and thermodynamic stability) indicates that this missense variant is expected to disrupt MYH2 protein function with a positive predictive value of 80%. In summary, the available evidence is currently insufficient to determine the role of this variant in disease. Therefore, it has been classified as a Variant of Uncertain Significance.

Revvity Omics, Revvity
Classification: Uncertain significance for Myopathy, proximal, and ophthalmoplegia. Last evaluated: 2019-09-17. Review status: criteria provided, single submitter. Criteria: ACMG Guidelines, 2015. Collection method: clinical testing. Allele origin: germline.